The following is an entry in ClinVar:

NM_000053.4(ATP7B):c.465_466insCCTGTGCA (p.Ser156fs)

Gene: ATP7B (ATPase copper transporting beta; minus strand). Cytogenetic location: 13q14.3.
Variant type: Insertion.
Coding change: c.465_466insCCTGTGCA on transcript NM_000053.4 (MANE Select); coding-DNA positions 465 to 466, CCTGTGCA inserted.
Protein change: p.Ser156fs; shifts the reading frame from serine 156.
Molecular consequence: frameshift variant.
Genome position: GRCh38 VCF-style: chr13-51974754-A-ATGCACAGG. GRCh37 (hg19) VCF-style: chr13-52548890-A-ATGCACAGG.
Other names: c.465_466insCCTGTGCA, p.Ser156fs (NM_001005918.3, NM_001243182.2, NM_001330578.2 and 1 more transcripts); short protein forms S156fs.
Identifiers: ClinVar variation 1073155 (VCV001073155.4), dbSNP rs2140100738, ClinGen allele CA2499222503.
Genomic context (GRCh38, chr13:51,974,754, plus strand): 5'-CTTTGACTCTCACTACTCCTTGCAGTTTCCGGACCTTGCCTTCAATGGAGCTGACACAGG[A>ATGCACAGG]CTGGCAGGTCATGCCCTCCACCCGGAGCTTGACCACAGCCTCCTGGGCAGGCAAGGACCT-3'

ClinVar aggregate classification (germline): Pathogenic (1 of 4 stars; one submission).

Conditions:
Wilson disease (WND). Also called: Wilson's disease. Identifiers: Orphanet 905, MedGen C0019202, MONDO:0010200, OMIM 277900. Disease mechanism: loss of function.

Submission:

Labcorp Genetics (formerly Invitae), Labcorp
Classification: Pathogenic for Wilson disease. Last evaluated: 2022-06-24. Review status: criteria provided, single submitter. Criteria: Invitae Variant Classification Sherloc (09022015). Collection method: clinical testing. Allele origin: germline.
Comment: For these reasons, this variant has been classified as Pathogenic. This sequence change creates a premature translational stop signal (p.Ser156Profs*19) in the ATP7B gene. It is expected to result in an absent or disrupted protein product. Loss-of-function variants in ATP7B are known to be pathogenic (PMID: 10441329, 16283883). This variant is not present in population databases (gnomAD no frequency). This variant has not been reported in the literature in individuals affected with ATP7B-related conditions. ClinVar contains an entry for this variant (Variation ID: 1073155).

Literature cited by the submitters: PubMed 10441329; PubMed 16283883.